The following is an entry in ClinVar:

ClinVar aggregate classification (germline): Uncertain significance. Review status: criteria provided, multiple submitters, no conflicts (2 of 4 stars). 4 submissions from 4 submitters: Uncertain significance (3). 1 of the submissions does not count toward it. Last evaluated 2025-07-21.

Conditions:
Inborn genetic diseases. Identifiers: MedGen C0950123, MeSH D030342.
Nemaline myopathy 2 (NEM2). Also called: Nemaline myopathy 2, autosomal recessive. Identifiers: MedGen C1850569, MONDO:0009725, OMIM 256030.

Allele frequency attached by ClinVar (database versions not stated): gnomAD exomes below 0.00001; TOPMed 0.00001.
gnomAD v4.1: 2 of 1,613,608 alleles (0.00012%); highest among the groups gnomAD compares: Non-Finnish European, 0.00017%; no homozygotes.

Submissions (4):

GeneDx
Classification: Uncertain significance. Last evaluated: 2025-07-21. Review status: criteria provided, single submitter. Criteria: GeneDx Variant Classification Process June 2021. Collection method: clinical testing. Allele origin: germline. Affected: yes.
Comment: Not observed at significant frequency in large population cohorts (gnomAD); In silico analysis supports that this missense variant has a deleterious effect on protein structure/function; Has not been previously published as pathogenic or benign to our knowledge

Ambry Genetics
Classification: Uncertain significance for Inborn genetic diseases. Last evaluated: 2024-11-09. Review status: criteria provided, single submitter. Criteria: Ambry Variant Classification Scheme 2023. Collection method: clinical testing. Allele origin: germline.

Labcorp Genetics (formerly Invitae), Labcorp
Classification: Uncertain significance for Nemaline myopathy 2. Last evaluated: 2023-10-03. Review status: criteria provided, single submitter. Criteria: Invitae Variant Classification Sherloc (09022015). Collection method: clinical testing. Allele origin: germline.
Comment: This sequence change replaces aspartic acid, which is acidic and polar, with histidine, which is basic and polar, at codon 5781 of the NEB protein (p.Asp5781His). This variant is present in population databases (no rsID available, gnomAD 0.0009%). This variant has not been reported in the literature in individuals affected with NEB-related conditions. ClinVar contains an entry for this variant (Variation ID: 534018). Experimental studies and prediction algorithms are not available or were not evaluated, and the functional significance of this variant is currently unknown. In summary, the available evidence is currently insufficient to determine the role of this variant in disease. Therefore, it has been classified as a Variant of Uncertain Significance.

Natera, Inc.
Classification: Uncertain significance for Nemaline myopathy type 2. Last evaluated: 2020-03-24. Review status: no assertion criteria provided. Collection method: clinical testing. Allele origin: germline. Not counted in ClinVar's aggregate classification.

NM_001164508.2(NEB):c.17341G>C (p.Asp5781His)

Gene: NEB (nebulin; minus strand). Cytogenetic location: 2q23.3.
Variant type: single nucleotide variant.
Coding change: c.17341G>C on transcript NM_001164508.2 (MANE Select); coding-DNA position 17341, G replaced by C.
Protein change: p.Asp5781His; replaces aspartic acid 5781 with histidine.
Molecular consequence: missense variant.
Genome position (GRCh38, 1-based): chr2:151,570,170, C>G on the plus strand (G>C on the coding strand, the complement: NEB is on the minus strand). VCF-style: chr2-151570170-C-G. GRCh37 (hg19) VCF-style: chr2-152426684-C-G.
Other names: c.17341G>C, p.Asp5781His (NM_001164507.2, NM_001271208.2); c.12238G>C, p.Asp4080His (NM_004543.5); c.12238G>C (NM_004543.4); short protein forms D5781H, D4080H.
Identifiers: ClinVar variation 534018 (VCV000534018.8), dbSNP rs897368602, ClinGen allele CA57663397.
Genomic context (GRCh38, chr2:151,570,170, plus strand): 5'-CCTGAATCACATCGTTCTGGTCGGGCATGCAGGTCCACTGGTGCAGGTAATTGCGGTAAT[C>G]CATGTCACTGACCAGAGCCTGGGAATTTTTAGAGTGCAGGATGGAAAGCATGTCCACAGG-3'
Protein context (NP_001157980.2, residues 5771-5791): KNSQALVSDM[Asp5781His]YRNYLHQWTC